The following is an entry in ClinVar:

NM_005732.4(RAD50):c.1598C>T (p.Thr533Ile)

Gene: RAD50 (RAD50 double strand break repair protein; plus strand). Cytogenetic location: 5q31.1.
Variant type: single nucleotide variant.
Coding change: c.1598C>T on transcript NM_005732.4 (MANE Select); coding-DNA position 1598, C replaced by T.
Protein change: p.Thr533Ile; replaces threonine 533 with isoleucine.
Molecular consequence: missense variant.
Genome position (GRCh38, 1-based): chr5:132,591,369, C>T. VCF-style: chr5-132591369-C-T. GRCh37 (hg19) VCF-style: chr5-131927061-C-T.
Other names: short protein forms T533I.
Identifiers: ClinVar variation 1776039 (VCV001776039.2), dbSNP rs2479641722, ClinGen allele CA360946075.

ClinVar aggregate classification (germline): Uncertain significance (1 of 4 stars; one submission).

Conditions:
Hereditary cancer-predisposing syndrome. Also called: Neoplastic Syndromes, Hereditary; Tumor predisposition; Hereditary Cancer Syndrome; Hereditary neoplastic syndrome. Identifiers: Orphanet 140162, MedGen C0027672, MeSH D009386, MONDO:0015356.

Submission:

Ambry Genetics
Classification: Uncertain significance for Hereditary cancer-predisposing syndrome. Last evaluated: 2019-11-19. Review status: criteria provided, single submitter. Criteria: Ambry Variant Classification Scheme 2023. Collection method: clinical testing. Allele origin: germline.
Comment: The p.T533I variant (also known as c.1598C>T), located in coding exon 10 of the RAD50 gene, results from a C to T substitution at nucleotide position 1598. The threonine at codon 533 is replaced by isoleucine, an amino acid with similar properties. This amino acid position is not well conserved in available vertebrate species. In addition, this alteration is predicted to be tolerated by in silico analysis. Since supporting evidence is limited at this time, the clinical significance of this alteration remains unclear.